The following is an entry in ClinVar:

NM_203408.4(FAM47A):c.1593T>C (p.Gly531=)

Gene: FAM47A (family with sequence similarity 47 member A; minus strand). Cytogenetic location: Xp21.1.
Variant type: single nucleotide variant.
Coding change: c.1593T>C on transcript NM_203408.4 (MANE Select); coding-DNA position 1593, T replaced by C.
Protein change: p.Gly531=; no amino-acid change (glycine 531 retained).
Molecular consequence: synonymous variant.
Genome position (GRCh38, 1-based): chrX:34,130,686, A>G on the plus strand (T>C on the coding strand, the complement: FAM47A is on the minus strand). VCF-style: chrX-34130686-A-G. GRCh37 (hg19) VCF-style: chrX-34148803-A-G.
Identifiers: ClinVar variation 2660254 (VCV002660254.24), dbSNP rs199587283, ClinGen allele CA10380428.

ClinVar aggregate classification (germline): Likely benign (1 of 4 stars; one submission).

Allele frequency attached by ClinVar (database versions not stated): 1000 Genomes Project 0.00079; gnomAD exomes 0.00001; gnomAD 0.00007; ExAC 0.00021.

Submission:

CeGaT Center for Human Genetics Tuebingen
Classification: Likely benign. Last evaluated: 2022-10-01. Review status: criteria provided, single submitter. Criteria: CeGaT Center For Human Genetics Tuebingen Variant Classification Criteria Version 2. Collection method: clinical testing. Allele origin: germline. Affected: yes. Observed: 1 variant allele.
Comment: FAM47A: BP4, BP7